The following is an entry in ClinVar:

ClinVar aggregate classification (germline): Uncertain significance (1 of 4 stars; one submission).

Conditions:
Charcot-Marie-Tooth disease type 2. Also called: Charcot-Marie-Tooth type 2. Identifiers: Orphanet 64746, MedGen C0270914, MONDO:0018993.

gnomAD v4.1: 1 of 1,614,168 alleles (0.000062%); highest among the groups gnomAD compares: South Asian, 0.0011%; no homozygotes.

Submission:

Labcorp Genetics (formerly Invitae), Labcorp
Classification: Uncertain significance for Charcot-Marie-Tooth disease type 2. Last evaluated: 2024-05-01. Review status: criteria provided, single submitter. Criteria: Invitae Variant Classification Sherloc (09022015). Collection method: clinical testing. Allele origin: germline.
Comment: This sequence change replaces proline, which is neutral and non-polar, with serine, which is neutral and polar, at codon 1179 of the KIF1B protein (p.Pro1179Ser). This variant is present in population databases (rs761771321, gnomAD 0.003%). This variant has not been reported in the literature in individuals affected with KIF1B-related conditions. An algorithm developed to predict the effect of missense changes on protein structure and function (PolyPhen-2) suggests that this variant is likely to be disruptive. In summary, the available evidence is currently insufficient to determine the role of this variant in disease. Therefore, it has been classified as a Variant of Uncertain Significance.

NM_001365951.3(KIF1B):c.3673C>T (p.Pro1225Ser)

Gene: KIF1B (kinesin family member 1B; plus strand). Cytogenetic location: 1p36.22.
Variant type: single nucleotide variant.
Coding change: c.3673C>T on transcript NM_001365951.3 (MANE Select); coding-DNA position 3673, C replaced by T.
Protein change: p.Pro1225Ser; replaces proline 1225 with serine.
Molecular consequence: missense variant.
Genome position (GRCh38, 1-based): chr1:10,343,272, C>T. VCF-style: chr1-10343272-C-T. GRCh37 (hg19) VCF-style: chr1-10403330-C-T.
Other names: c.3673C>T, p.Pro1225Ser (NM_001365952.1); c.3535C>T, p.Pro1179Ser (NM_015074.3); short protein forms P1179S, P1225S.
Identifiers: ClinVar variation 3613916 (VCV003613916.2).
Genomic context (GRCh38, chr1:10,343,272, plus strand): 5'-TTGTCTTCCTTTCTTTGCAGTCCGCCTCAGCCGTGCCGCCGATTCTTCCCTCCACCCATG[C>T]CACTGTCCAAGCCAGGTGAGCACTCGCTCCGCTTTTTGCATGATGATCTCTTTGTGAATA-3'
Protein context (NP_001352880.1, residues 1215-1235): PCRRFFPPPM[Pro1225Ser]LSKPVPATKL